The following is an entry in ClinVar:

NM_002968.3(SALL1):c.3397C>T (p.Gln1133Ter)

Gene: SALL1 (spalt like transcription factor 1; minus strand). Cytogenetic location: 16q12.1.
Variant type: single nucleotide variant.
Coding change: c.3397C>T on transcript NM_002968.3 (MANE Select); coding-DNA position 3397, C replaced by T.
Protein change: p.Gln1133Ter; replaces glutamine 1133 with a stop codon.
Molecular consequence: nonsense.
Genome position (GRCh38, 1-based): chr16:51,138,825, G>A on the plus strand (C>T on the coding strand, the complement: SALL1 is on the minus strand). VCF-style: chr16-51138825-G-A. GRCh37 (hg19) VCF-style: chr16-51172736-G-A.
Other names: c.3106C>T, p.Gln1036Ter (NM_001127892.2); short protein forms Q1036*, Q1133*.
Identifiers: ClinVar variation 3765521 (VCV003765521.1).

ClinVar aggregate classification (germline): Pathogenic (1 of 4 stars; one submission).

Conditions:
Townes-Brocks syndrome 1 (TBS1). Also called: SALL1-Related Townes-Brocks Syndrome; DEAFNESS, SENSORINEURAL, WITH IMPERFORATE ANUS AND THUMB ANOMALIES; REAR SYNDROME; RENAL-EAR-ANAL-RADIAL SYNDROME. Identifiers: Orphanet 857, MedGen C4551481, MONDO:0054581, OMIM 107480.

Submission:

Centre de Biologie Pathologie Génétique, Centre Hospitalier Universitaire de Lille
Classification: Pathogenic for Townes-Brocks syndrome 1. Last evaluated: 2025-02-27. Review status: criteria provided, single submitter. Criteria: ACMG Guidelines, 2015. Collection method: clinical testing. Allele origin: de novo. Inheritance: Autosomal dominant inheritance. Affected: yes.
Comment: PVS1 + PM2 + PP4 + PS2